The following is an entry in ClinVar:

ClinVar aggregate classification (germline): Uncertain significance (1 of 4 stars; one submission).

Submission:

Ambry Genetics
Classification: Uncertain significance. Last evaluated: 2022-10-27. Review status: criteria provided, single submitter. Criteria: Ambry Variant Classification Scheme 2023. Collection method: clinical testing. Allele origin: germline.
Comment: The p.Q247H variant (also known as c.741G>C), located in coding exon 1 of the PALLD gene, results from a G to C substitution at nucleotide position 741. The glutamine at codon 247 is replaced by histidine, an amino acid with highly similar properties. This amino acid position is conserved. In addition, this alteration is predicted to be tolerated by in silico analysis. Since supporting evidence is limited at this time, the clinical significance of this alteration remains unclear.

NM_001166108.2(PALLD):c.741G>C (p.Gln247His)

Gene: PALLD (palladin, cytoskeletal associated protein; plus strand). Cytogenetic location: 4q32.3.
Variant type: single nucleotide variant.
Coding change: c.741G>C on transcript NM_001166108.2 (MANE Select); coding-DNA position 741, G replaced by C.
Protein change: p.Gln247His; replaces glutamine 247 with histidine.
Molecular consequence: missense variant.
Genome position (GRCh38, 1-based): chr4:168,512,245, G>C. VCF-style: chr4-168512245-G-C. GRCh37 (hg19) VCF-style: chr4-169433396-G-C.
Other names: c.741G>C, p.Gln247His (NM_016081.4); short protein forms Q247H.
Identifiers: ClinVar variation 1758841 (VCV001758841.2), dbSNP rs1762590671, ClinGen allele CA358728171.